The following is an entry in ClinVar:

ClinVar aggregate classification (germline): Likely pathogenic (1 of 4 stars; one submission).

Conditions:
Intellectual developmental disorder, autosomal dominant 6, with or without seizures. Also called: GRIN2B-related developmental delay, intellectual disability and autism spectrum disorder; Intellectual disability, autosomal dominant 6. Identifiers: Orphanet 589547, MedGen C3151411, MONDO:0013509, OMIM 613970.

Submission:

Institute of Human Genetics, University of Leipzig Medical Center
Classification: Likely pathogenic for Intellectual developmental disorder, autosomal dominant 6, with or without seizures. Last evaluated: 2017-04-04. Review status: criteria provided, single submitter. Criteria: ACMG Guidelines, 2015. Collection method: clinical testing. Allele origin: de novo. Affected: yes.
Comment: This variant was identified as de novo (maternity and paternity confirmed).

Literature cited by the submitters: PubMed 28377535.

NM_000834.5(GRIN2B):c.1985A>C (p.Gln662Pro)

Gene: GRIN2B (glutamate ionotropic receptor NMDA type subunit 2B; minus strand). Cytogenetic location: 12p13.1.
Variant type: single nucleotide variant.
Coding change: c.1985A>C on transcript NM_000834.5 (MANE Select); coding-DNA position 1985, A replaced by C.
Protein change: p.Gln662Pro; replaces glutamine 662 with proline.
Molecular consequence: missense variant.
Genome position (GRCh38, 1-based): chr12:13,608,628, T>G on the plus strand (A>C on the coding strand, the complement: GRIN2B is on the minus strand). VCF-style: chr12-13608628-T-G. GRCh37 (hg19) VCF-style: chr12-13761562-T-G.
Other names: short protein forms Q662P.
Identifiers: ClinVar variation 916613 (VCV000916613.1), dbSNP rs1949319877, ClinGen allele CA384050760.